The following is an entry in ClinVar:

NM_001378778.1(MPDZ):c.2940G>C (p.Glu980Asp)

Gene: MPDZ (multiple PDZ domain crumbs cell polarity complex component; minus strand). Cytogenetic location: 9p23.
Variant type: single nucleotide variant.
Coding change: c.2940G>C on transcript NM_001378778.1 (MANE Select); coding-DNA position 2940, G replaced by C.
Protein change: p.Glu980Asp; replaces glutamic acid 980 with aspartic acid.
Molecular consequence: missense variant.
Genome position (GRCh38, 1-based): chr9:13,175,867, C>G on the plus strand (G>C on the coding strand, the complement: MPDZ is on the minus strand). VCF-style: chr9-13175867-C-G. GRCh37 (hg19) VCF-style: chr9-13175866-C-G.
Other names: c.2940G>C, p.Glu980Asp (NM_001261406.2, NM_001261407.2, NM_001330637.2 and 14 more transcripts); short protein forms E980D.
Identifiers: ClinVar variation 1393188 (VCV001393188.5), dbSNP rs1174136570, ClinGen allele CA372934902.
Genomic context (GRCh38, chr9:13,175,867, plus strand): 5'-TACATTTTGAAGCATGACACACTCAGCATTACAGGCCAGGGAGCTCTGTTCAAGCAGGTA[C>G]TCAGAGCCCTTTAAGAAAGAAAAAGAAGTCACAAGTCACATGGAAAGGGAAACTAGACTT-3'
Protein context (NP_001365707.1, residues 970-990): VLPDSAGKGS[Glu980Asp]YLLEQSSLAC

ClinVar aggregate classification (germline): Uncertain significance (1 of 4 stars; one submission).

Allele frequency attached by ClinVar (database versions not stated): gnomAD exomes 0.00002.

Submission:

Labcorp Genetics (formerly Invitae), Labcorp
Classification: Uncertain significance. Last evaluated: 2025-09-15. Review status: criteria provided, single submitter. Criteria: Invitae Variant Classification Sherloc (09022015). Collection method: clinical testing. Allele origin: germline.
Comment: This sequence change replaces glutamic acid, which is acidic and polar, with aspartic acid, which is acidic and polar, at codon 980 of the MPDZ protein (p.Glu980Asp). This variant is present in population databases (no rsID available, gnomAD 0.01%). This variant has not been reported in the literature in individuals affected with MPDZ-related conditions. ClinVar contains an entry for this variant (Variation ID: 1393188). An algorithm developed to predict the effect of missense changes on protein structure and function outputs the following: PolyPhen-2: "Benign". The aspartic acid amino acid residue is found in multiple mammalian species, which suggests that this missense change does not adversely affect protein function. In summary, the available evidence is currently insufficient to determine the role of this variant in disease. Therefore, it has been classified as a Variant of Uncertain Significance.